The following is an entry in ClinVar:

NM_182919.4(TICAM1):c.1238G>A (p.Arg413Gln)

Gene: TICAM1 (TIR domain containing adaptor molecule 1; minus strand). Cytogenetic location: 19p13.3.
Variant type: single nucleotide variant.
Coding change: c.1238G>A on transcript NM_182919.4 (MANE Select); coding-DNA position 1238, G replaced by A.
Protein change: p.Arg413Gln; replaces arginine 413 with glutamine.
Molecular consequence: missense variant.
Genome position (GRCh38, 1-based): chr19:4,817,140, C>T on the plus strand (G>A on the coding strand, the complement: TICAM1 is on the minus strand). VCF-style: chr19-4817140-C-T. GRCh37 (hg19) VCF-style: chr19-4817152-C-T.
Other names: c.1196G>A, p.Arg399Gln (NM_001385678.1); c.1103G>A, p.Arg368Gln (NM_001385679.1); c.596G>A, p.Arg199Gln (NM_001385680.1); short protein forms R413Q, R199Q, R368Q, R399Q.
Identifiers: ClinVar variation 626185 (VCV000626185.4), dbSNP rs372838204, ClinGen allele CA9105173.
Genomic context (GRCh38, chr19:4,817,140, plus strand): 5'-ACCTGGAAATCCTCGCAGAAGGTGGCCCCGTCGGGCACGCCAAGGGCCTCCAGCTTCTCC[C>T]GAACCCGCAGGGCGATGTGTTCGTCTGCCCTGGCGTGGAGGATCACAAAGTTATAGAATT-3'
Protein context (NP_891549.1, residues 403-423): RADEHIALRV[Arg413Gln]EKLEALGVPD

ClinVar aggregate classification (germline): Uncertain significance. Review status: criteria provided, multiple submitters, no conflicts (2 of 4 stars). 2 submissions from 2 submitters: Uncertain significance (2). Last evaluated 2025-01-29.

Conditions:
Encephalopathy, acute, infection-induced (herpes-specific), susceptibility to, 6. Also called: Herpes simplex encephalitis, susceptibility to, 4. Identifiers: Orphanet 1930, MedGen C3553869, MONDO:0013921, OMIM 614850.

Allele frequency attached by ClinVar (database versions not stated): TOPMed 0.00003; ExAC 0.00009; gnomAD exomes 0.00007; ESP Exome Variant Server 0.00008.
gnomAD v4.1: 20 of 1,613,956 alleles (0.0012%); highest among the groups gnomAD compares: Admixed American, 0.023%; no homozygotes.

Submissions (2):

Labcorp Genetics (formerly Invitae), Labcorp
Classification: Uncertain significance for Encephalopathy, acute, infection-induced (herpes-specific), susceptibility to, 6. Last evaluated: 2025-01-29. Review status: criteria provided, single submitter. Criteria: Invitae Variant Classification Sherloc (09022015). Collection method: clinical testing. Allele origin: germline.
Comment: This sequence change replaces arginine, which is basic and polar, with glutamine, which is neutral and polar, at codon 413 of the TICAM1 protein (p.Arg413Gln). The frequency data for this variant in the population databases is considered unreliable, as metrics indicate poor data quality at this position in the gnomAD database. This variant has not been reported in the literature in individuals affected with TICAM1-related conditions. ClinVar contains an entry for this variant (Variation ID: 626185). An algorithm developed to predict the effect of missense changes on protein structure and function outputs the following: PolyPhen-2: "Benign". The glutamine amino acid residue is found in multiple mammalian species, which suggests that this missense change does not adversely affect protein function. In summary, the available evidence is currently insufficient to determine the role of this variant in disease. Therefore, it has been classified as a Variant of Uncertain Significance.

Center for Genomics, Ann and Robert H. Lurie Children's Hospital of Chicago
Classification: Uncertain significance for Encephalopathy, acute, infection-induced (herpes-specific), susceptibility to, 6. Last evaluated: 2021-03-30. Review status: criteria provided, single submitter. Criteria: ACMG Guidelines, 2015. Collection method: clinical testing. Allele origin: germline.
Comment: TICAM1 NM_182919.3 exon 2 p.Arg413Gln (c.1238G>A): This variant has not been reported in the literature, but it is present in 13/33582 Latino alleles in the Genome Aggregation Database. This variant amino acid Glutamine (Gln) is present in 3 species (Guinea pig, Platypus, and Coelacanth) and is not well conserved among evolutionarily distant species; this suggests that this variant may not impact the protein. Additional computational prediction tools are unclear. In summary, data on this variant are insufficient for disease classification. Therefore, the clinical significance of this variant is uncertain.